The following is an entry in ClinVar:

NM_172364.5(CACNA2D4):c.912G>A (p.Gly304=)

Gene: CACNA2D4 (calcium voltage-gated channel auxiliary subunit alpha2delta 4; minus strand). Cytogenetic location: 12p13.33.
Variant type: single nucleotide variant.
Coding change: c.912G>A on transcript NM_172364.5 (MANE Select); coding-DNA position 912, G replaced by A.
Protein change: p.Gly304=; no amino-acid change (glycine 304 retained).
Molecular consequence: synonymous variant.
Genome position (GRCh38, 1-based): chr12:1,886,304, C>T on the plus strand (G>A on the coding strand, the complement: CACNA2D4 is on the minus strand). VCF-style: chr12-1886304-C-T. GRCh37 (hg19) VCF-style: chr12-1995470-C-T.
Identifiers: ClinVar variation 788575 (VCV000788575.14), dbSNP rs74699105, ClinGen allele CA6387361.
Genomic context (GRCh38, chr12:1,886,304, plus strand): 5'-ATTCTCCCCCAGGGTGTCCAAGATGGTGGTGATGGTGTGCTTGGCAATAGTCATCCTCAG[C>T]CCCTTCATACTGCCGCTCACGTCCACCAAAATCACTATGTCCTTGGGAGAAGTAGCAGCT-3'
Protein context (NP_758952.4, residues 294-314): ILVDVSGSMK[Gly304=]LRMTIAKHTI

ClinVar aggregate classification (germline): Benign. Review status: criteria provided, multiple submitters, no conflicts (2 of 4 stars). 3 submissions from 3 submitters: Benign (3). Last evaluated 2026-01-26.

Conditions:
Retinal cone dystrophy 4 (RCD4). Identifiers: Orphanet 1872, MedGen C1864849, MONDO:0012507, OMIM 610478.

Allele frequency attached by ClinVar (database versions not stated): gnomAD exomes 0.00072 and 0.00175; 1000 Genomes Project 0.00759; gnomAD 0.00791 and 0.00731; TOPMed 0.00874; 1000 Genomes Project 30x 0.00921; ExAC 0.00211; ESP Exome Variant Server 0.00687.
gnomAD v4.1: 2,223 of 1,613,740 alleles (0.14%); highest among the groups gnomAD compares: African/African-American, 2.6%; 20 homozygotes.

Submissions (3):

Labcorp Genetics (formerly Invitae), Labcorp
Classification: Benign. Last evaluated: 2026-01-26. Review status: criteria provided, single submitter. Criteria: Invitae Variant Classification Sherloc (09022015). Collection method: clinical testing. Allele origin: germline.

Illumina Laboratory Services, Illumina
Classification: Benign for Retinal cone dystrophy 4. Last evaluated: 2018-01-13. Review status: criteria provided, single submitter. Criteria: ICSL Variant Classification Criteria 13 December 2019. Collection method: clinical testing. Allele origin: germline.
Comment: This variant was observed in the ICSL laboratory as part of a predisposition screen in an ostensibly healthy population. It had not been previously curated by ICSL or reported in the Human Gene Mutation Database (HGMD: prior to June 1st, 2018), and was therefore a candidate for classification through an automated scoring system. Utilizing variant allele frequency, disease prevalence and penetrance estimates, and inheritance mode, an automated score was calculated to assess if this variant is too frequent to cause the disease. Based on the score and internal cut-off values, a variant classified as benign is not then subjected to further curation. The score for this variant resulted in a classification of benign for this disease.

Breakthrough Genomics
Classification: Benign. Review status: criteria provided, single submitter. Criteria: ACMG Guidelines, 2015. Collection method: not provided. Allele origin: germline. Inheritance: Autosomal recessive inheritance. Affected: yes.